The following is an entry in ClinVar:

NM_144997.7(FLCN):c.919G>A (p.Glu307Lys)

Gene: FLCN (folliculin; minus strand). Cytogenetic location: 17p11.2.
Variant type: single nucleotide variant.
Coding change: c.919G>A on transcript NM_144997.7 (MANE Select); coding-DNA position 919, G replaced by A.
Protein change: p.Glu307Lys; replaces glutamic acid 307 with lysine.
Molecular consequence: missense variant.
Genome position (GRCh38, 1-based): chr17:17,219,162, C>T on the plus strand (G>A on the coding strand, the complement: FLCN is on the minus strand). VCF-style: chr17-17219162-C-T. GRCh37 (hg19) VCF-style: chr17-17122476-C-T.
Other names: c.973G>A, p.Glu325Lys (NM_001353229.2); c.919G>A, p.Glu307Lys (NM_001353230.2, NM_001353231.2); short protein forms E307K, E325K.
Identifiers: ClinVar variation 853577 (VCV000853577.5), dbSNP rs932256543, ClinGen allele CA398533005.

ClinVar aggregate classification (germline): Uncertain significance (1 of 4 stars; one submission).

Conditions:
Birt-Hogg-Dube syndrome. Also called: Birt Hogg Dubé syndrome. Identifiers: Orphanet 122, MedGen C0346010, MONDO:0800444.

Allele frequency attached by ClinVar (database versions not stated): gnomAD exomes below 0.00001.
gnomAD v4.1: 2 of 1,614,216 alleles (0.00012%); highest among the groups gnomAD compares: Non-Finnish European, 0.00017%; no homozygotes.

Submission:

Labcorp Genetics (formerly Invitae), Labcorp
Classification: Uncertain significance for Birt-Hogg-Dube syndrome. Last evaluated: 2022-10-27. Review status: criteria provided, single submitter. Criteria: Invitae Variant Classification Sherloc (09022015). Collection method: clinical testing. Allele origin: germline.
Comment: This variant is not present in population databases (gnomAD no frequency). This sequence change replaces glutamic acid, which is acidic and polar, with lysine, which is basic and polar, at codon 307 of the FLCN protein (p.Glu307Lys). This variant has not been reported in the literature in individuals affected with FLCN-related conditions. In summary, the available evidence is currently insufficient to determine the role of this variant in disease. Therefore, it has been classified as a Variant of Uncertain Significance. Algorithms developed to predict the effect of missense changes on protein structure and function (SIFT, PolyPhen-2, Align-GVGD) all suggest that this variant is likely to be tolerated. ClinVar contains an entry for this variant (Variation ID: 853577).